The following is an entry in ClinVar:

ClinVar aggregate classification (germline): Likely pathogenic (1 of 4 stars; one submission).

Conditions:
Heterotaxy, visceral, 8, autosomal (HTX8). Identifiers: MONDO:0014967, OMIM 617205, MedGen C4310668.

Submission:

Juno Genomics, Hangzhou Juno Genomics, Inc
Classification: Likely pathogenic for Heterotaxy, visceral, 8, autosomal. Review status: criteria provided, single submitter. Criteria: ACMG Guidelines, 2015. Collection method: clinical testing. Allele origin: germline.
Comment: Null variant in a gene where loss of function (LOF) is a known mechanism of disease.;Absent from controls (or at extremely low frequency if recessive) in Genome Aggregation Database.

NM_138295.5(PKD1L1):c.6462del (p.Phe2154_Leu2155insTer)

Gene: PKD1L1 (polycystin 1 like 1, transient receptor potential channel interacting; minus strand). Cytogenetic location: 7p12.3.
Variant type: Deletion.
Coding change: c.6462del on transcript NM_138295.5 (MANE Select); coding-DNA position 6462, one base deleted (T; older notation c.6462delT).
Protein change: p.Phe2154_Leu2155insTer.
Molecular consequence: frameshift variant.
Genome position (GRCh38, 1-based): chr7:47,831,228, A deleted on the plus strand (T on the coding strand, the reverse complement: PKD1L1 is on the minus strand); the first of 3 consecutive A bases (chr7:47,831,228-47,831,230); deleting any one gives the same sequence. VCF-style (leftmost placement, unchanged base first): chr7-47831227-GA-G. GRCh37 (hg19) VCF-style: chr7-47870825-GA-G.
Identifiers: ClinVar variation 5007216 (VCV005007216.2).